The following is an entry in ClinVar:

NM_015122.3(FCHO1):c.1238G>A (p.Arg413Gln)

Genes: FCHO1 (FCH and mu domain containing endocytic adaptor 1; plus strand), LOC130063960 (ATAC-STARR-seq lymphoblastoid active region 14285; plus strand). Cytogenetic location: 19p13.11.
Variant type: single nucleotide variant.
Coding change: c.1238G>A on transcript NM_015122.3 (MANE Select); coding-DNA position 1238, G replaced by A.
Protein change: p.Arg413Gln; replaces arginine 413 with glutamine.
Molecular consequence: missense variant. On other transcripts: non-coding transcript variant (36), intron variant (1).
Genome position (GRCh38, 1-based): chr19:17,776,665, G>A. VCF-style: chr19-17776665-G-A. GRCh37 (hg19) VCF-style: chr19-17887474-G-A.
Other names: c.1238G>A, p.Arg413Gln (NM_001384380.1, NM_001384381.1, NM_001384387.1 and 25 more transcripts); c.1088G>A, p.Arg363Gln (NM_001384384.1, NM_001384385.1, NM_001384386.1 and 2 more transcripts); c.1199G>A, p.Arg400Gln (NM_001384388.1, NM_001384389.1, NM_001384405.1); c.1163G>A, p.Arg388Gln (NM_001384390.1); c.1057+394G>A (NM_001384407.1); c.1238G>A (NM_001161357.1); c.1193G>A, p.Arg398Gln (NM_001384403.1); short protein forms R363Q, R388Q, R398Q, R400Q, R413Q.
Identifiers: ClinVar variation 1615988 (VCV001615988.24), dbSNP rs139750085, ClinGen allele CA9300448.

ClinVar aggregate classification (germline): Conflicting classifications of pathogenicity. Review status: criteria provided, conflicting classifications (1 of 4 stars). 5 submissions from 5 submitters: Uncertain significance (1); Benign (2); Likely benign (2). Last evaluated 2026-02-04.

Allele frequency attached by ClinVar (database versions not stated): gnomAD exomes 0.00016; ExAC 0.00030; gnomAD 0.00059 and 0.00065; 1000 Genomes Project 0.00100; ESP Exome Variant Server 0.00115; 1000 Genomes Project 30x 0.00141.

Submissions (5):

Women's Health and Genetics/Laboratory Corporation of America, LabCorp
Classification: Likely benign. Last evaluated: 2026-02-04. Review status: criteria provided, single submitter. Criteria: LabCorp Variant Classification Summary - May 2015. Collection method: clinical testing. Allele origin: germline.
Comment: Variant summary: FCHO1 c.1238G>A (p.Arg413Gln) results in a conservative amino acid change in the encoded protein sequence. Algorithms developed to predict the effect of missense changes on protein structure and function all suggest that this variant is likely to be tolerated. The variant allele was found at a frequency of 0.00016 in 250724 control chromosomes, predominantly at a frequency of 0.0022 within the African or African-American subpopulation in the gnomAD database. The observed variant frequency within African or African-American control individuals in the gnomAD database exceeds the estimated maximal expected allele frequency for disease-causing variants in FCHO1. To our knowledge, no occurrence of c.1238G>A in individuals affected with FCHO1-related conditions and no experimental evidence demonstrating its impact on protein function have been reported. ClinVar contains an entry for this variant (Variation ID: 1615988). Based on the evidence outlined above, the variant was classified as likely benign.

Labcorp Genetics (formerly Invitae), Labcorp
Classification: Benign. Last evaluated: 2026-01-02. Review status: criteria provided, single submitter. Criteria: Invitae Variant Classification Sherloc (09022015). Collection method: clinical testing. Allele origin: germline.

Ambry Genetics
Classification: Uncertain significance. Last evaluated: 2025-12-16. Review status: criteria provided, single submitter. Criteria: Ambry Variant Classification Scheme 2023. Collection method: clinical testing. Allele origin: germline.
Comment: The c.1238G>A (p.R413Q) alteration is located in exon 18 (coding exon 15) of the FCHO1 gene. This alteration results from a G to A substitution at nucleotide position 1238, causing the arginine (R) at amino acid position 413 to be replaced by a glutamine (Q). Based on data from gnomAD, the A allele has an overall frequency of 0.022% (62/282052) total alleles studied. The highest observed frequency was 0.229% (57/24918) of African alleles. Based on insufficient or conflicting evidence, the clinical significance of this alteration remains unclear.

CeGaT Center for Human Genetics Tuebingen
Classification: Likely benign. Last evaluated: 2024-11-01. Review status: criteria provided, single submitter. Criteria: CeGaT Center For Human Genetics Tuebingen Variant Classification Criteria Version 2. Collection method: clinical testing. Allele origin: germline. Affected: yes. Observed: 1 variant allele.
Comment: FCHO1: BP4, BS1

Breakthrough Genomics
Classification: Benign. Review status: criteria provided, single submitter. Criteria: ACMG Guidelines, 2015. Collection method: not provided. Allele origin: germline. Inheritance: Autosomal recessive inheritance. Affected: yes.